The following is an entry in ClinVar:

NM_005342.4(HMGB3):c.*2_*4del (p.Ter201=)

Gene: HMGB3 (high mobility group box 3; plus strand). Cytogenetic location: Xq28.
Variant type: Deletion.
Coding change: c.*2_*4del on transcript NM_005342.4 (MANE Select); 2 bases downstream of the stop codon through 4 bases downstream of the stop codon, 3 bases deleted (GAA; older notation c.*2_*4delGAA).
Protein change: p.Ter201=.
Molecular consequence: no sequence alteration.
Genome position (GRCh38, 1-based): chrX:150,987,916-150,987,918, GAA deleted; deleting any 3 consecutive bases within chrX:150,987,914-150,987,918 gives the same sequence; the c. name uses the placement nearest the transcript's 3' end. VCF-style (leftmost placement, unchanged base first): chrX-150987913-AAAG-A. GRCh37 (hg19) VCF-style: chrX-150156386-AAAG-A.
Other names: c.*2_*4del, p.Ter201= (NM_001301228.2, NM_001301229.2); c.*2_*4del, p.Ter221= (NM_001301231.2).
Identifiers: ClinVar variation 3030198 (VCV003030198.2), dbSNP rs782301597, ClinGen allele CA10540151.

ClinVar aggregate classification (germline): Likely benign (0 of 4 stars; one submission).

Conditions:
HMGB3-related disorder. Also called: HMGB3-related condition.

Submission:

PreventionGenetics, part of Exact Sciences
Classification: Likely benign for HMGB3-related condition. Last evaluated: 2021-04-01. Review status: no assertion criteria provided. Collection method: clinical testing. Allele origin: germline.
Comment: This variant is classified as likely benign based on ACMG/AMP sequence variant interpretation guidelines (Richards et al. 2015 PMID: 25741868, with internal and published modifications).